The following is an entry in ClinVar:

NM_020207.7(ERCC6L2):c.4382A>T (p.Lys1461Met)

Gene: ERCC6L2 (ERCC excision repair 6 like 2; plus strand). Cytogenetic location: 9q22.32.
Variant type: single nucleotide variant.
Coding change: c.4382A>T on transcript NM_020207.7 (MANE Select); coding-DNA position 4382, A replaced by T.
Protein change: p.Lys1461Met; replaces lysine 1461 with methionine.
Molecular consequence: missense variant. On other transcripts: non-coding transcript variant (1), intron variant (2).
Genome position (GRCh38, 1-based): chr9:96,012,932, A>T. VCF-style: chr9-96012932-A-T. GRCh37 (hg19) VCF-style: chr9-98775214-A-T.
Other names: c.3674+8231A>T (NM_001375291.1, NM_001375292.1); short protein forms K1461M.
Identifiers: ClinVar variation 1953134 (VCV001953134.2), dbSNP rs1480173575, ClinGen allele CA466123391.

ClinVar aggregate classification (germline): Uncertain significance (1 of 4 stars; one submission).

Allele frequency attached by ClinVar (database versions not stated): gnomAD 0.00001; TOPMed 0.00001; gnomAD exomes 0.00005.
gnomAD v4.1: 60 of 1,367,424 alleles (0.0044%); highest among the groups gnomAD compares: Non-Finnish European, 0.0057%; no homozygotes.

Submission:

Labcorp Genetics (formerly Invitae), Labcorp
Classification: Uncertain significance. Last evaluated: 2022-09-08. Review status: criteria provided, single submitter. Criteria: Invitae Variant Classification Sherloc (09022015). Collection method: clinical testing. Allele origin: germline.
Comment: This sequence change replaces lysine, which is basic and polar, with methionine, which is neutral and non-polar, at codon 1472 of the ERCC6L2 protein (p.Lys1472Met). This variant is present in population databases (no rsID available, gnomAD 0.002%). This variant has not been reported in the literature in individuals affected with ERCC6L2-related conditions. Algorithms developed to predict the effect of missense changes on protein structure and function are either unavailable or do not agree on the potential impact of this missense change (SIFT: "Deleterious"; PolyPhen-2: "Not Available"; Align-GVGD: "Class C0"). In summary, the available evidence is currently insufficient to determine the role of this variant in disease. Therefore, it has been classified as a Variant of Uncertain Significance.